The following is an entry in ClinVar:

NM_007186.6(CEP250):c.596A>G (p.Asp199Gly)

Gene: CEP250 (centrosomal protein 250; plus strand). Cytogenetic location: 20q11.22.
Variant type: single nucleotide variant.
Coding change: c.596A>G on transcript NM_007186.6 (MANE Select); coding-DNA position 596, A replaced by G.
Protein change: p.Asp199Gly; replaces aspartic acid 199 with glycine.
Molecular consequence: missense variant. On other transcripts: 5 prime UTR variant (1).
Genome position (GRCh38, 1-based): chr20:35,467,069, A>G. VCF-style: chr20-35467069-A-G. GRCh37 (hg19) VCF-style: chr20-34054894-A-G.
Other names: c.-1304A>G (NM_001318219.1); short protein forms D199G.
Identifiers: ClinVar variation 2129762 (VCV002129762.3), dbSNP rs745759891, ClinGen allele CA9832652.

ClinVar aggregate classification (germline): Uncertain significance (1 of 4 stars; one submission).

Allele frequency attached by ClinVar (database versions not stated): ExAC 0.00001; gnomAD 0.00001; gnomAD exomes 0.00001; TOPMed 0.00001.
gnomAD v4.1: 18 of 1,604,088 alleles (0.0011%); highest among the groups gnomAD compares: Non-Finnish European, 0.0015%; no homozygotes.

Submission:

Labcorp Genetics (formerly Invitae), Labcorp
Classification: Uncertain significance. Last evaluated: 2022-04-23. Review status: criteria provided, single submitter. Criteria: Invitae Variant Classification Sherloc (09022015). Collection method: clinical testing. Allele origin: germline.
Comment: In summary, the available evidence is currently insufficient to determine the role of this variant in disease. Therefore, it has been classified as a Variant of Uncertain Significance. Algorithms developed to predict the effect of missense changes on protein structure and function are either unavailable or do not agree on the potential impact of this missense change (SIFT: "Not Available"; PolyPhen-2: "Probably Damaging"; Align-GVGD: "Not Available"). This variant has not been reported in the literature in individuals affected with CEP250-related conditions. This variant is present in population databases (rs745759891, gnomAD 0.002%). This sequence change replaces aspartic acid, which is acidic and polar, with glycine, which is neutral and non-polar, at codon 199 of the CEP250 protein (p.Asp199Gly).